The following is an entry in ClinVar:

ClinVar aggregate classification (germline): Conflicting classifications of pathogenicity. Review status: criteria provided, conflicting classifications (1 of 4 stars). 11 submissions from 11 submitters: Uncertain significance (8); Likely benign (1). 2 of the submissions do not count toward it. Last evaluated 2026-07-23.

Conditions:
RTEL1-related disorder. Also called: RTEL1-related condition; RTEL1-related disorders.
Pulmonary fibrosis and/or bone marrow failure, Telomere-related, 3. Also called: PULMONARY FIBROSIS AND/OR BONE MARROW FAILURE SYNDROME, TELOMERE-RELATED, 3. Identifiers: Orphanet 2032, MedGen C4225346, MONDO:0014613, OMIM 616373.
Dyskeratosis congenita, autosomal recessive 5 (DKCB5). Identifiers: MedGen C3554656, MONDO:0014076, OMIM 615190.
Inborn genetic diseases. Identifiers: MedGen C0950123, MeSH D030342.
Dyskeratosis congenita, autosomal dominant 1 (DKCA1). Also called: Dyskeratosis congenita Scoggins type. Identifiers: Orphanet 1775, MedGen C4551974, MONDO:0007485, OMIM 127550. Inheritance: Variable.

Allele frequency attached by ClinVar (database versions not stated): ExAC 0.00026; gnomAD exomes 0.00030 and 0.00097; gnomAD 0.00041 and 0.00042; TOPMed 0.00043; ESP Exome Variant Server 0.00062.
gnomAD v4.1: 1,520 of 1,613,490 alleles (0.094%); highest among the groups gnomAD compares: Non-Finnish European, 0.12%; 2 homozygotes.

Submissions (11):

GeneDx
Classification: Uncertain significance. Last evaluated: 2026-07-23. Review status: criteria provided, single submitter. Criteria: GeneDx Variant Classification Process June 2021. Collection method: clinical testing. Allele origin: germline.
Comment: In silico analysis supports that this missense variant has a deleterious effect on protein structure/function; Published functional studies are inconclusive: normal overall telomere length but erosion of the 3' overhang, and normal regulation of TRF2 in patient peripheral blood cells but increased TRF2 expression in a 293T cell line (PMID: 29344583); This variant is associated with the following publications: (PMID: 29344583, 30523342, 36496180)

Labcorp Genetics (formerly Invitae), Labcorp
Classification: Uncertain significance for Dyskeratosis congenita, autosomal recessive 5; Pulmonary fibrosis and/or bone marrow failure, Telomere-related, 3. Last evaluated: 2026-01-22. Review status: criteria provided, single submitter. Criteria: Invitae Variant Classification Sherloc (09022015). Collection method: clinical testing. Allele origin: germline.
Comment: This sequence change replaces proline, which is neutral and non-polar, with leucine, which is neutral and non-polar, at codon 82 of the RTEL1 protein (p.Pro82Leu). The frequency data for this variant in the population databases is considered unreliable, as metrics indicate poor data quality at this position in the gnomAD database. This missense change has been observed in individual(s) with aplastic anemia (PMID: 29344583, 30523342). ClinVar contains an entry for this variant (Variation ID: 436585). An algorithm developed to predict the effect of missense changes on protein structure and function outputs the following: PolyPhen-2: "Benign". The leucine amino acid residue is found in multiple mammalian species, which suggests that this missense change does not adversely affect protein function. Experimental studies are conflicting or provide insufficient evidence to determine the effect of this variant on RTEL1 function (PMID: 29344583). In summary, the available evidence is currently insufficient to determine the role of this variant in disease. Therefore, it has been classified as a Variant of Uncertain Significance.

Blueprint Genetics
Classification: Likely benign. Last evaluated: 2024-11-27. Review status: criteria provided, single submitter. Criteria: ACMG Guidelines, 2015. Collection method: clinical testing. Allele origin: germline.

Mayo Clinic Laboratories, Mayo Clinic
Classification: Uncertain significance. Last evaluated: 2024-07-03. Review status: criteria provided, single submitter. Criteria: ACMG Guidelines, 2015. Collection method: clinical testing. Allele origin: germline. Observed: 1 variant allele.
Comment: BP4

Ambry Genetics
Classification: Uncertain significance for Inborn genetic diseases. Last evaluated: 2022-06-21. Review status: criteria provided, single submitter. Criteria: Ambry Variant Classification Scheme 2023. Collection method: clinical testing. Allele origin: germline.

Johns Hopkins Genomics, Johns Hopkins University
Classification: Uncertain significance for Pulmonary fibrosis and/or bone marrow failure, Telomere-related, 3. Last evaluated: 2022-06-02. Review status: criteria provided, single submitter. Criteria: ACMG Guidelines, 2015. Collection method: clinical testing. Allele origin: germline.
Comment: This RTEL1 missense variant has been reported in the literature in an individual with aplastic anemia and the individual's sibling with thrombocytopenia. This variant (rs143461704) is rare (<0.1%) in a large population dataset (gnomAD v3.1.2: 61/152156 total alleles; 0.04%; no homozygotes), and has been reported in ClinVar (Variation ID 436585). Of three bioinformatics tools queried, one predicts that the substitution would be damaging, while two predict that it would be tolerated. While the proline residue at this position is evolutionarily conserved across many of the species assessed, leucine is present at this position in multiple species. Functional studies performed were inconclusive. We consider the clinical significance of c.245C>T to be uncertain at this time.

Fulgent Genetics
Classification: Uncertain significance for Dyskeratosis congenita, autosomal recessive 5; Pulmonary fibrosis and/or bone marrow failure, Telomere-related, 3. Last evaluated: 2022-02-07. Review status: criteria provided, single submitter. Criteria: ACMG Guidelines, 2015. Collection method: clinical testing. Allele origin: unknown.

Department of Pathology and Laboratory Medicine, Sinai Health System
Classification: Uncertain significance for Dyskeratosis congenita, autosomal recessive 5; Pulmonary fibrosis and/or bone marrow failure, Telomere-related, 3. Last evaluated: 2022-01-18. Review status: criteria provided, single submitter. Criteria: ACMG Guidelines, 2015. Collection method: research. Allele origin: germline.

Genetic Services Laboratory, University of Chicago
Classification: Uncertain significance. Last evaluated: 2016-11-15. Review status: criteria provided, single submitter. Criteria: ACMG Guidelines, 2015. Collection method: clinical testing. Allele origin: germline. Affected: no.

PreventionGenetics, part of Exact Sciences
Classification: Uncertain significance for RTEL1-related condition. Last evaluated: 2024-05-23. Review status: no assertion criteria provided. Collection method: clinical testing. Allele origin: germline. Not counted in ClinVar's aggregate classification.
Comment: The RTEL1 c.245C>T variant is predicted to result in the amino acid substitution p.Pro82Leu. This variant has been reported in an individual with moderate aplastic anemia and mitral valve prolapse (Marsh et al. 2018. PubMed ID: 29344583). This variant was also reported in two siblings with aplastic anemia and normal telomere length (Patients NIH078 and NIH079 in Supplemental Table S3, Gutierrez-Rodrigues et al. 2019. PubMed ID: 30523342).  This variant is reported in 0.061% of alleles in individuals of European (Non-Finnish) descent in gnomAD and has been interpreted as uncertain in ClinVar. At this time, the clinical significance of this variant is uncertain due to the absence of conclusive functional and genetic evidence.

Natera, Inc.
Classification: Uncertain significance for Autosomal dominant dyskeratosis congenita. Last evaluated: 2020-06-15. Review status: no assertion criteria provided. Collection method: clinical testing. Allele origin: germline. Not counted in ClinVar's aggregate classification.

Literature cited by the submitters: PubMed 29344583 (cited by 4 submitters); PubMed 30523342 (cited by 3 submitters); PubMed 36496180 (cited by Mayo Clinic Laboratories, Mayo Clinic).

NM_001283009.2(RTEL1):c.245C>T (p.Pro82Leu)

Genes: RTEL1 (regulator of telomere elongation helicase 1; plus strand), RTEL1-TNFRSF6B (RTEL1-TNFRSF6B readthrough (NMD candidate); plus strand). Cytogenetic location: 20q13.33.
Variant type: single nucleotide variant.
Coding change: c.245C>T on transcript NM_001283009.2 (MANE Select); coding-DNA position 245, C replaced by T.
Protein change: p.Pro82Leu; replaces proline 82 with leucine.
Molecular consequence: missense variant. On other transcripts: non-coding transcript variant (1), 5 prime UTR variant (1).
Genome position (GRCh38, 1-based): chr20:63,661,440, C>T. VCF-style: chr20-63661440-C-T. GRCh37 (hg19) VCF-style: chr20-62292793-C-T.
Other names: p.Pro82Leu; c.-425C>T (NM_001283010.1); c.245C>T, p.Pro82Leu (NM_016434.4, NM_032957.5); short protein forms P82L.
Identifiers: ClinVar variation 436585 (VCV000436585.25), dbSNP rs143461704, ClinGen allele CA9964152.